The following is an entry in ClinVar:

ClinVar aggregate classification (germline): Uncertain significance (1 of 4 stars; one submission).

Conditions:
Neurofibromatosis, type 1 (NF1). Also called: VON RECKLINGHAUSEN DISEASE; NEUROFIBROMATOSIS, TYPE I, SOMATIC; Peripheral type neurofibromatosis; Neurofibromatosis, type I. Identifiers: Orphanet 636, MedGen C0027831, MONDO:0018975, OMIM 162200. Disease mechanism: loss of function.

Allele frequency attached by ClinVar (database versions not stated): gnomAD exomes below 0.00001.
gnomAD v4.1: 3 of 1,598,684 alleles (0.00019%); highest among the groups gnomAD compares: Non-Finnish European, 0.00026%; no homozygotes.

Submission:

Labcorp Genetics (formerly Invitae), Labcorp
Classification: Uncertain significance for Neurofibromatosis, type 1. Last evaluated: 2021-08-24. Review status: criteria provided, single submitter. Criteria: Invitae Variant Classification Sherloc (09022015). Collection method: clinical testing. Allele origin: germline.
Comment: This sequence change replaces lysine with arginine at codon 1040 of the NF1 protein (p.Lys1040Arg). The lysine residue is moderately conserved and there is a small physicochemical difference between lysine and arginine. This variant is not present in population databases (ExAC no frequency). This variant has not been reported in the literature in individuals affected with NF1-related conditions. Algorithms developed to predict the effect of missense changes on protein structure and function are either unavailable or do not agree on the potential impact of this missense change (SIFT: "Deleterious"; PolyPhen-2: "Probably Damaging"; Align-GVGD: "Class C0"). In summary, the available evidence is currently insufficient to determine the role of this variant in disease. Therefore, it has been classified as a Variant of Uncertain Significance.

NM_001042492.3(NF1):c.3119A>G (p.Lys1040Arg)

Gene: NF1 (neurofibromin 1; plus strand). Cytogenetic location: 17q11.2.
Variant type: single nucleotide variant.
Coding change: c.3119A>G on transcript NM_001042492.3 (MANE Select); coding-DNA position 3119, A replaced by G.
Protein change: p.Lys1040Arg; replaces lysine 1040 with arginine.
Molecular consequence: missense variant.
Genome position (GRCh38, 1-based): chr17:31,230,847, A>G. VCF-style: chr17-31230847-A-G. GRCh37 (hg19) VCF-style: chr17-29557865-A-G.
Other names: c.3119A>G, p.Lys1040Arg (NM_000267.4); short protein forms K1040R.
Identifiers: ClinVar variation 1044174 (VCV001044174.2), dbSNP rs2067101256, ClinGen allele CA398987857.